The following is an entry in ClinVar:

ClinVar aggregate classification (germline): Uncertain significance. Review status: criteria provided, multiple submitters, no conflicts (2 of 4 stars). 2 submissions from 2 submitters: Uncertain significance (2). Last evaluated 2022-03-19.

Allele frequency attached by ClinVar (database versions not stated): gnomAD exomes below 0.00001 and 0.00001.
gnomAD v4.1: 3 of 1,614,036 alleles (0.00019%); highest among the groups gnomAD compares: Non-Finnish European, 0.00025%; no homozygotes.

Submissions (2):

Labcorp Genetics (formerly Invitae), Labcorp
Classification: Uncertain significance. Last evaluated: 2022-03-19. Review status: criteria provided, single submitter. Criteria: Invitae Variant Classification Sherloc (09022015). Collection method: clinical testing. Allele origin: germline.
Comment: This sequence change replaces glycine, which is neutral and non-polar, with glutamic acid, which is acidic and polar, at codon 3123 of the SZT2 protein (p.Gly3123Glu). This variant is present in population databases (no rsID available, gnomAD 0.002%). This missense change has been observed in individual(s) with SZT2-related conditions (PMID: 30315519). It has also been observed to segregate with disease in related individuals. Algorithms developed to predict the effect of missense changes on protein structure and function are either unavailable or do not agree on the potential impact of this missense change (SIFT: "Deleterious"; PolyPhen-2: "Probably Damaging"; Align-GVGD: "Class C0"). In summary, the available evidence is currently insufficient to determine the role of this variant in disease. Therefore, it has been classified as a Variant of Uncertain Significance.

Blueprint Genetics
Classification: Uncertain significance. Last evaluated: 2021-02-03. Review status: criteria provided, single submitter. Criteria: ACMG Guidelines, 2015. Collection method: clinical testing. Allele origin: germline.

Literature cited by the submitters: PubMed 30315519 (cited by Labcorp Genetics (formerly Invitae), Labcorp).

NM_001365999.1(SZT2):c.9539G>A (p.Gly3180Glu)

Genes: SZT2 (SZT2 subunit of KICSTOR complex; plus strand), SZT2-AS1 (SZT2 antisense RNA 1; minus strand). Cytogenetic location: 1p34.2.
Variant type: single nucleotide variant.
Coding change: c.9539G>A on transcript NM_001365999.1 (MANE Select); coding-DNA position 9539, G replaced by A.
Protein change: p.Gly3180Glu; replaces glycine 3180 with glutamic acid.
Molecular consequence: missense variant.
Genome position (GRCh38, 1-based): chr1:43,447,947, G>A. VCF-style: chr1-43447947-G-A. GRCh37 (hg19) VCF-style: chr1-43913618-G-A.
Other names: c.9368G>A, p.Gly3123Glu (NM_015284.4); short protein forms G3123E, G3180E.
Identifiers: ClinVar variation 1420440 (VCV001420440.7), dbSNP rs1169114279, ClinGen allele CA340043640.